The following is an entry in ClinVar:

NM_006009.4(TUBA1A):c.257_258delinsAA (p.Leu86Gln)

Gene: TUBA1A (tubulin alpha 1a; minus strand). Cytogenetic location: 12q13.12.
Variant type: Indel.
Coding change: c.257_258delinsAA on transcript NM_006009.4 (MANE Select); coding-DNA positions 257 to 258, TC replaced by AA.
Protein change: p.Leu86Gln; replaces leucine 86 with glutamine.
Molecular consequence: missense variant.
Genome position (GRCh38, 1-based): chr12:49,186,427-49,186,428, GA replaced by TT on the plus strand (TC replaced by AA on the coding strand, the reverse complement: TUBA1A is on the minus strand). VCF-style: chr12-49186427-GA-TT. GRCh37 (hg19) VCF-style: chr12-49580210-GA-TT.
Other names: c.257_258delinsAA, p.Leu86Gln (NM_001270399.2); c.152_153delinsAA, p.Leu51Gln (NM_001270400.2); short protein forms L51Q, L86Q.
Identifiers: ClinVar variation 3901207 (VCV003901207.1).

ClinVar aggregate classification (germline): Likely pathogenic (1 of 4 stars; one submission).

Conditions:
Lissencephaly due to TUBA1A mutation (CDCBM16). Also called: Lissencephaly 3; CORTICAL DYSPLASIA, COMPLEX, WITH OTHER BRAIN MALFORMATIONS 16. Identifiers: Orphanet 171680, MedGen C4305153, MONDO:0012703, OMIM 611603.

Submission:

Institute of Human Genetics, University of Leipzig Medical Center
Classification: Likely pathogenic for Lissencephaly due to TUBA1A mutation. Last evaluated: 2025-04-03. Review status: criteria provided, single submitter. Criteria: ACMG Guidelines, 2015. Collection method: clinical testing. Allele origin: unknown. Inheritance: Autosomal dominant inheritance. Affected: yes.
Comment: Criteria applied: PM1,PM2,PP2,PP3